The following is an entry in ClinVar:

ClinVar aggregate classification (germline): Benign/Likely benign. Review status: criteria provided, multiple submitters, no conflicts (2 of 4 stars). 10 submissions from 8 submitters: Benign (7); Likely benign (1). 2 of the submissions do not count toward it. Last evaluated 2026-01-08.

Conditions:
Insulin-resistant diabetes mellitus AND acanthosis nigricans. Also called: Insulin-resistance syndrome type A; INSULIN RECEPTOR, DEFECT IN, WITH INSULIN-RESISTANT DIABETES MELLITUS AND ACANTHOSIS NIGRICANS; IRAN, TYPE A; type A insulin resistance; DIABETES MELLITUS, INSULIN-RESISTANT, WITH ACANTHOSIS NIGRICANS, TYPE A. Identifiers: Orphanet 2297, MedGen C0342278, MONDO:0012520, OMIM 610549.
Rabson-Mendenhall syndrome. Also called: MENDENHALL SYNDROME; Pineal Hyperplasia, Insulin-Resistant Diabetes Mellitus, and Somatic Abnormalities; Pineal hyperplasia AND diabetes mellitus syndrome. Identifiers: Orphanet 769, MedGen C0271695, MONDO:0009874, OMIM 262190.
Leprechaunism syndrome. Also called: Donohue syndrome; LEPRECHAUNISM. Identifiers: Orphanet 508, MedGen C0265344, MONDO:0009517, OMIM 246200.
Hyperinsulinism due to INSR deficiency. Also called: Hyperinsulinism due to glutamodehydrogenase deficiency. Identifiers: Orphanet 263458, MedGen C1864952, MONDO:0012381, OMIM 609968.

Allele frequency attached by ClinVar (database versions not stated): gnomAD exomes 0.00180; ExAC 0.00219; 1000 Genomes Project 0.00659; 1000 Genomes Project 30x 0.00718; gnomAD 0.00726 and 0.00797; TOPMed 0.00813; ESP Exome Variant Server 0.00861.
gnomAD v4.1: 2,195 of 1,614,162 alleles (0.14%); highest among the groups gnomAD compares: African/African-American, 2.6%; 30 homozygotes.

Submissions (10):

Labcorp Genetics (formerly Invitae), Labcorp
Classification: Benign. Last evaluated: 2026-01-08. Review status: criteria provided, single submitter. Criteria: Invitae Variant Classification Sherloc (09022015). Collection method: clinical testing. Allele origin: germline.

Genetic Services Laboratory, University of Chicago
Classification: Benign. Last evaluated: 2021-06-25. Review status: criteria provided, single submitter. Criteria: ACMG Guidelines, 2015. Collection method: clinical testing. Allele origin: germline. Affected: no.

ARUP Laboratories, Molecular Genetics and Genomics, ARUP Laboratories
Classification: Benign. Last evaluated: 2019-06-22. Review status: criteria provided, single submitter. Criteria: ARUP Molecular Germline Variant Investigation Process. Collection method: clinical testing. Allele origin: germline.

Illumina Laboratory Services, Illumina
Classification: Benign for Rabson-Mendenhall syndrome. Last evaluated: 2018-01-12. Review status: criteria provided, single submitter. Criteria: ICSL Variant Classification Criteria 13 December 2019. Collection method: clinical testing. Allele origin: germline.
Comment: This variant was observed in the ICSL laboratory as part of a predisposition screen in an ostensibly healthy population. It had not been previously curated by ICSL or reported in the Human Gene Mutation Database (HGMD: prior to June 1st, 2018), and was therefore a candidate for classification through an automated scoring system. Utilizing variant allele frequency, disease prevalence and penetrance estimates, and inheritance mode, an automated score was calculated to assess if this variant is too frequent to cause the disease. Based on the score and internal cut-off values, a variant classified as benign is not then subjected to further curation. The score for this variant resulted in a classification of benign for this disease.

Illumina Laboratory Services, Illumina
Classification: Benign for Leprechaunism syndrome. Last evaluated: 2018-01-12. Review status: criteria provided, single submitter. Criteria: ICSL Variant Classification Criteria 13 December 2019. Collection method: clinical testing. Allele origin: germline.
Comment: the same text as in the submission from Illumina Laboratory Services, Illumina above.

Illumina Laboratory Services, Illumina
Classification: Benign for Insulin-resistant diabetes mellitus AND acanthosis nigricans. Last evaluated: 2018-01-12. Review status: criteria provided, single submitter. Criteria: ICSL Variant Classification Criteria 13 December 2019. Collection method: clinical testing. Allele origin: germline.
Comment: the same text as in the submission from Illumina Laboratory Services, Illumina above.

Breakthrough Genomics
Classification: Benign. Review status: criteria provided, single submitter. Criteria: ACMG Guidelines, 2015. Collection method: not provided. Allele origin: germline. Inheritance: Autosomal recessive inheritance. Affected: yes.

Clinical Genomics, Uppaluri K&H Personalized Medicine Clinic
Classification: Likely benign for Hyperinsulinism due to INSR deficiency. Review status: criteria provided, single submitter. Criteria: K And H Uppaluri Personalized Medicine Clinic Variant Classification And Assertion Criteria Updated V 2. Collection method: research. Allele origin: unknown. Inheritance: Autosomal dominant inheritance.
Comment: Potent mutations in INSR gene can lead to insulin resistance, which presents as impaired glucose tolerance, early onset type 2 diabetes, post prandial hyperglycemia and increased insulin requirement in type 1 diabetes. These mutations in INSR gene can also predispose to coronary artery disease, metabolic syndrome, polycystic ovarian disease and non alcoholic fatty liver disease.However, the role of this particular variant rs61736580 with early onset diabetes mellitus is yet to be ascertained.

Clinical Genetics DNA and cytogenetics Diagnostics Lab, Erasmus MC, Erasmus Medical Center
Classification: Benign. Review status: no assertion criteria provided. Collection method: clinical testing. Allele origin: germline. Affected: yes. Study: VKGL Data-share Consensus. Not counted in ClinVar's aggregate classification.

Laboratory of Diagnostic Genome Analysis, Leiden University Medical Center (LUMC)
Classification: Benign. Review status: no assertion criteria provided. Collection method: clinical testing. Allele origin: germline. Affected: yes. Study: VKGL Data-share Consensus. Not counted in ClinVar's aggregate classification.

Literature cited by the submitters: PubMed 35000900 (cited by Clinical Genomics, Uppaluri K&H Personalized Medicine Clinic); PubMed 31989990 (cited by Clinical Genomics, Uppaluri K&H Personalized Medicine Clinic); PubMed 23705494 (cited by Clinical Genomics, Uppaluri K&H Personalized Medicine Clinic).

NM_000208.4(INSR):c.262T>C (p.Leu88=)

Gene: INSR (insulin receptor; minus strand). Cytogenetic location: 19p13.2.
Variant type: single nucleotide variant.
Coding change: c.262T>C on transcript NM_000208.4 (MANE Select); coding-DNA position 262, T replaced by C.
Protein change: p.Leu88=; no amino-acid change (leucine 88 retained).
Molecular consequence: synonymous variant.
Genome position (GRCh38, 1-based): chr19:7,267,735, A>G on the plus strand (T>C on the coding strand, the complement: INSR is on the minus strand). VCF-style: chr19-7267735-A-G. GRCh37 (hg19) VCF-style: chr19-7267746-A-G.
Other names: c.262T>C, p.Leu88= (NM_001079817.3).
Identifiers: ClinVar variation 330479 (VCV000330479.26), dbSNP rs61736580, ClinGen allele CA9136145.